The following is an entry in ClinVar:

ClinVar aggregate classification (germline): Uncertain significance. Review status: criteria provided, multiple submitters, no conflicts (2 of 4 stars). 2 submissions from 2 submitters: Uncertain significance (2). Last evaluated 2026-08-24.

Conditions:
Hereditary cancer-predisposing syndrome. Also called: Hereditary Cancer Syndrome; Hereditary neoplastic syndrome; Neoplastic Syndromes, Hereditary; Tumor predisposition. Identifiers: Orphanet 140162, MedGen C0027672, MeSH D009386, MONDO:0015356.

Submissions (2):

Ambry Genetics
Classification: Uncertain significance for Hereditary cancer-predisposing syndrome. Last evaluated: 2026-08-24. Review status: criteria provided, single submitter. Criteria: Ambry Variant Classification Scheme 2023. Collection method: clinical testing. Allele origin: germline.
Comment: The p.D88G variant (also known as c.263A>G), located in coding exon 3 of the XRCC2 gene, results from an A to G substitution at nucleotide position 263. The aspartic acid at codon 88 is replaced by glycine, an amino acid with similar properties. This amino acid position is conserved. In addition, this alteration is predicted to be deleterious by in silico analysis. Based on the available evidence, the clinical significance of this variant remains unclear.

Labcorp Genetics (formerly Invitae), Labcorp
Classification: Uncertain significance. Last evaluated: 2023-06-27. Review status: criteria provided, single submitter. Criteria: Invitae Variant Classification Sherloc (09022015). Collection method: clinical testing. Allele origin: germline.
Comment: In summary, the available evidence is currently insufficient to determine the role of this variant in disease. Therefore, it has been classified as a Variant of Uncertain Significance. Advanced modeling of protein sequence and biophysical properties (such as structural, functional, and spatial information, amino acid conservation, physicochemical variation, residue mobility, and thermodynamic stability) performed at Invitae indicates that this missense variant is expected to disrupt XRCC2 protein function. This variant has not been reported in the literature in individuals affected with XRCC2-related conditions. This variant is not present in population databases (gnomAD no frequency). This sequence change replaces aspartic acid, which is acidic and polar, with glycine, which is neutral and non-polar, at codon 88 of the XRCC2 protein (p.Asp88Gly).

NM_005431.2(XRCC2):c.263A>G (p.Asp88Gly)

Gene: XRCC2 (X-ray repair cross complementing 2; minus strand). Cytogenetic location: 7q36.1.
Variant type: single nucleotide variant.
Coding change: c.263A>G on transcript NM_005431.2 (MANE Select); coding-DNA position 263, A replaced by G.
Protein change: p.Asp88Gly; replaces aspartic acid 88 with glycine.
Molecular consequence: missense variant.
Genome position (GRCh38, 1-based): chr7:152,649,222, T>C on the plus strand (A>G on the coding strand, the complement: XRCC2 is on the minus strand). VCF-style: chr7-152649222-T-C. GRCh37 (hg19) VCF-style: chr7-152346307-T-C.
Other names: c.263A>G (NM_005431.1); short protein forms D88G.
Identifiers: ClinVar variation 2903414 (VCV002903414.4), dbSNP rs2485881746, ClinGen allele CA370199078.